The following is an entry in ClinVar:

NM_173598.6(KSR2):c.1242-2A>G

Gene: KSR2 (kinase suppressor of ras 2; minus strand). Cytogenetic location: 12q24.22.
Variant type: single nucleotide variant.
Coding change: c.1242-2A>G on transcript NM_173598.6 (MANE Select); the canonical splice acceptor site of the intron before coding-DNA position 1242, A replaced by G.
Molecular consequence: splice acceptor variant.
Genome position (GRCh38, 1-based): chr12:117,579,204, T>C on the plus strand (A>G on the coding strand, the complement: KSR2 is on the minus strand). VCF-style: chr12-117579204-T-C. GRCh37 (hg19) VCF-style: chr12-118017009-T-C.
Identifiers: ClinVar variation 4995053 (VCV004995053.1).

ClinVar aggregate classification (germline): Uncertain significance (1 of 4 stars; one submission).

Conditions:
KSR2-related disorder. Also called: KSR2-related condition.

gnomAD v4.1: 2 of 1,610,592 alleles (0.00012%); highest among the groups gnomAD compares: Admixed American, 0.0017%; no homozygotes.

Submission:

PreventionGenetics, part of Exact Sciences
Classification: Uncertain significance for KSR2-related condition. Last evaluated: 2026-04-22. Review status: criteria provided, single submitter. Criteria: ACMG Guidelines, 2015. Collection method: clinical testing. Allele origin: germline.
Comment: The KSR2 c.1155-2A>G variant is predicted to disrupt the AG splice acceptor site and interfere with normal splicing. To our knowledge, this variant has not been reported in the literature. This variant is reported in 0.0029% of alleles in individuals of Latino descent in gnomAD. Although we suspect that this variant may be pathogenic, at this time, the clinical significance of this variant is uncertain due to the absence of conclusive functional and genetic evidence.